The following is an entry in ClinVar:

NM_004380.3(CREBBP):c.6966A>G (p.Ser2322=)

Gene: CREBBP (CREB binding lysine acetyltransferase; minus strand). Cytogenetic location: 16p13.3.
Variant type: single nucleotide variant.
Coding change: c.6966A>G on transcript NM_004380.3 (MANE Select); coding-DNA position 6966, A replaced by G.
Protein change: p.Ser2322=; no amino-acid change (serine 2322 retained).
Molecular consequence: synonymous variant.
Genome position (GRCh38, 1-based): chr16:3,728,081, T>C on the plus strand (A>G on the coding strand, the complement: CREBBP is on the minus strand). VCF-style: chr16-3728081-T-C. GRCh37 (hg19) VCF-style: chr16-3778082-T-C.
Other names: c.6852A>G, p.Ser2284= (NM_001079846.1).
Identifiers: ClinVar variation 4874384 (VCV004874384.2).

ClinVar aggregate classification (germline): Uncertain significance (1 of 4 stars; one submission).

Submission:

CeGaT Center for Human Genetics Tuebingen
Classification: Uncertain significance. Last evaluated: 2026-04-01. Review status: criteria provided, single submitter. Criteria: CeGaT Center For Human Genetics Tuebingen Variant Classification Criteria Version 2. Collection method: clinical testing. Allele origin: germline. Affected: yes. Observed: 1 variant allele.
Comment: CREBBP: PM2:Supporting, BP4